The following is an entry in ClinVar:

ClinVar aggregate classification (germline): Uncertain significance. Review status: criteria provided, multiple submitters, no conflicts (2 of 4 stars). 2 submissions from 2 submitters: Uncertain significance (2). Last evaluated 2022-08-24.

Allele frequency attached by ClinVar (database versions not stated): TOPMed 0.00001.
gnomAD v4.1: 15 of 1,613,114 alleles (0.00093%); highest among the groups gnomAD compares: Non-Finnish European, 0.0013%; no homozygotes.

Submissions (2):

Women's Health and Genetics/Laboratory Corporation of America, LabCorp
Classification: Uncertain significance. Last evaluated: 2022-08-24. Review status: criteria provided, single submitter. Criteria: LabCorp Variant Classification Summary - May 2015. Collection method: clinical testing. Allele origin: germline.
Comment: Variant summary: LCA5 c.2011C>T (p.Arg671X) is located in the last exon and results in a premature termination codon. The variant was absent in 251104 control chromosomes (gnomAD). The available data on variant occurrences in the general population are insufficient to allow any conclusion about variant significance. c.2011C>T has been reported in the literature in at least one individual affected with Leber Congenital Amaurosis (Mackay_2013). These data do not allow any conclusion about variant significance. To our knowledge, no experimental evidence demonstrating an impact on protein function has been reported. One ClinVar submitter (evaluation after 2014) cites the variant as uncertain significance. Based on the evidence outlined above, the variant was classified as uncertain significance.

Labcorp Genetics (formerly Invitae), Labcorp
Classification: Uncertain significance. Last evaluated: 2021-08-31. Review status: criteria provided, single submitter. Criteria: Invitae Variant Classification Sherloc (09022015). Collection method: clinical testing. Allele origin: germline.
Comment: This sequence change creates a premature translational stop signal (p.Arg671*) in the LCA5 gene. While this is not anticipated to result in nonsense mediated decay, it is expected to disrupt the last 27 amino acid(s) of the LCA5 protein. This variant is not present in population databases (ExAC no frequency). This premature translational stop signal has been observed in individual(s) with leber congenital amaurosis, in whom no second variant was identified (PMID: 23946133). In summary, the available evidence is currently insufficient to determine the role of this variant in disease. Therefore, it has been classified as a Variant of Uncertain Significance.

Literature cited by the submitters: PubMed 27067258 (cited by Women's Health and Genetics/Laboratory Corporation of America, LabCorp); PubMed 23946133 (cited by Women's Health and Genetics/Laboratory Corporation of America, LabCorp and Labcorp Genetics (formerly Invitae), Labcorp).

NM_001122769.3(LCA5):c.2011C>T (p.Arg671Ter)

Gene: LCA5 (lebercilin LCA5; minus strand). Cytogenetic location: 6q14.1.
Variant type: single nucleotide variant.
Coding change: c.2011C>T on transcript NM_001122769.3 (MANE Select); coding-DNA position 2011, C replaced by T.
Protein change: p.Arg671Ter; replaces arginine 671 with a stop codon.
Molecular consequence: nonsense.
Genome position (GRCh38, 1-based): chr6:79,487,087, G>A on the plus strand (C>T on the coding strand, the complement: LCA5 is on the minus strand). VCF-style: chr6-79487087-G-A. GRCh37 (hg19) VCF-style: chr6-80196804-G-A.
Other names: c.2011C>T, p.Arg671Ter (NM_181714.4); short protein forms R671*.
Identifiers: ClinVar variation 934993 (VCV000934993.5), dbSNP rs765762174, ClinGen allele CA141860018.